The following is an entry in ClinVar:

ClinVar aggregate classification (germline): Uncertain significance. Review status: criteria provided, multiple submitters, no conflicts (2 of 4 stars). 3 submissions from 3 submitters: Uncertain significance (3). Last evaluated 2025-06-18.

Conditions:
Cardiomyopathy (CMYO). Also called: Cardiomyopathies. Identifiers: Orphanet 167848, MedGen C0878544, MONDO:0004994, HP:0001638. Inheritance: Various modes of inheritance.
Hypertrophic cardiomyopathy. Also called: HYPERTROPHIC MYOCARDIOPATHY. Identifiers: Orphanet 217569, MedGen C0007194, MeSH D002312, MONDO:0005045, HP:0001639.

gnomAD v4.1: 1 of 1,609,872 alleles (0.000062%); highest among the groups gnomAD compares: Non-Finnish European, 0.000085%; no homozygotes.

Submissions (3):

Labcorp Genetics (formerly Invitae), Labcorp
Classification: Uncertain significance for Hypertrophic cardiomyopathy. Last evaluated: 2025-06-18. Review status: criteria provided, single submitter. Criteria: Invitae Variant Classification Sherloc (09022015). Collection method: clinical testing. Allele origin: germline.
Comment: This sequence change replaces valine, which is neutral and non-polar, with leucine, which is neutral and non-polar, at codon 1270 of the MYBPC3 protein (p.Val1270Leu). This variant is not present in population databases (gnomAD no frequency). This variant has not been reported in the literature in individuals affected with MYBPC3-related conditions. ClinVar contains an entry for this variant (Variation ID: 423792). An algorithm developed to predict the effect of missense changes on protein structure and function (PolyPhen-2) suggests that this variant is likely to be tolerated. In summary, the available evidence is currently insufficient to determine the role of this variant in disease. Therefore, it has been classified as a Variant of Uncertain Significance.

Color Diagnostics, LLC DBA Color Health
Classification: Uncertain significance for Cardiomyopathy. Last evaluated: 2024-03-06. Review status: criteria provided, single submitter. Criteria: ACMG Guidelines, 2015. Collection method: clinical testing. Allele origin: germline.
Comment: This missense variant replaces valine with leucine at codon 1270 of the MYBPC3 protein. Computational prediction tool suggests that this variant may have deleterious impact on protein structure and function (internally defined REVEL score threshold >=0.7, PMID: 27666373). Splice site prediction tools suggest that this variant may not impact RNA splicing. To our knowledge, functional studies have not been performed for this variant. This variant has not been reported in individuals affected with cardiovascular disorders in the literature. This variant has not been identified in the general population by the Genome Aggregation Database (gnomAD). The available evidence is insufficient to determine the role of this variant in disease conclusively. Therefore, this variant is classified as a Variant of Uncertain Significance.

GeneDx
Classification: Uncertain significance. Last evaluated: 2017-02-27. Review status: criteria provided, single submitter. Criteria: GeneDx Variant Classification (06012015). Collection method: clinical testing. Allele origin: germline. Affected: yes.
Comment: A variant of uncertain significance has been identified in the MYBPC3 gene. The V1270L variant has not been published as pathogenic or been reported as benign to our knowledge. Additionally, the V1270L variant is not observed in large population cohorts (Lek et al., 2016; 1000 Genomes Consortium et al., 2015; Exome Variant Server). This substitution occurs at a position that is conserved across species and in silico analysis predicts this variant is probably damaging to the protein structure/function. However, V1270L is a conservative amino acid substitution, which is not likely to impact secondary protein structure as these residues share similar properties.

NM_000256.3(MYBPC3):c.3808G>T (p.Val1270Leu)

Gene: MYBPC3 (myosin binding protein C3; minus strand). Cytogenetic location: 11p11.2.
Variant type: single nucleotide variant.
Coding change: c.3808G>T on transcript NM_000256.3 (MANE Select); coding-DNA position 3808, G replaced by T.
Protein change: p.Val1270Leu; replaces valine 1270 with leucine.
Molecular consequence: missense variant.
Genome position (GRCh38, 1-based): chr11:47,332,078, C>A on the plus strand (G>T on the coding strand, the complement: MYBPC3 is on the minus strand). VCF-style: chr11-47332078-C-A. GRCh37 (hg19) VCF-style: chr11-47353629-C-A.
Other names: c.3808G>T, p.Val1270Leu (LRG_386t1); short protein forms V1270L.
Identifiers: ClinVar variation 423792 (VCV000423792.8), dbSNP rs1064796634, ClinGen allele CA16619330.